The following is an entry in ClinVar:

NM_005968.5(HNRNPM):c.2129G>A (p.Arg710Gln)

Gene: HNRNPM (heterogeneous nuclear ribonucleoprotein M; plus strand). Cytogenetic location: 19p13.2.
Variant type: single nucleotide variant.
Coding change: c.2129G>A on transcript NM_005968.5 (MANE Select); coding-DNA position 2129, G replaced by A.
Protein change: p.Arg710Gln; replaces arginine 710 with glutamine.
Molecular consequence: missense variant.
Genome position (GRCh38, 1-based): chr19:8,488,790, G>A. VCF-style: chr19-8488790-G-A. GRCh37 (hg19) VCF-style: chr19-8553674-G-A.
Other names: c.1724G>A, p.Arg575Gln (NM_001297418.2); c.2012G>A, p.Arg671Gln (NM_031203.4); short protein forms R710Q, R671Q, R575Q.
Identifiers: ClinVar variation 100852 (VCV000100852.2), dbSNP rs483352729, ClinGen allele CA229130.

ClinVar aggregate classification (germline): Uncertain significance. Review status: no assertion criteria provided (0 of 4 stars). 2 submissions from 1 submitter: Uncertain significance (1). 1 of the submissions does not count toward it.

Allele frequency attached by ClinVar (database versions not stated): gnomAD exomes below 0.00001; gnomAD 0.00001.
gnomAD v4.1: 5 of 1,613,996 alleles (0.00031%); highest among the groups gnomAD compares: Non-Finnish European, 0.00042%; no homozygotes.

Submissions (2):

Richard Lifton Laboratory, Yale University School of Medicine
Classification: Uncertain significance. Review status: no assertion criteria provided. Collection method: not provided. Allele origin: somatic.
Comment: HNRNPM:p.R710Q
ClinVar note: Converted during submission from unknown to Uncertain significance.

Richard Lifton Laboratory, Yale University School of Medicine
Classification: Uncertain significance. Review status: flagged submission. Collection method: not provided. Allele origin: somatic. Not counted in ClinVar's aggregate classification.
ClinVar note: Converted during submission from unknown to Uncertain significance.
ClinVar note: Reason: This record appears to be redundant with a more recent record from the same submitter.
ClinVar note: Notes: SCV000120076 appears to be redundant with SCV000155180.